The following is an entry in ClinVar:

ClinVar aggregate classification (germline): Uncertain significance (1 of 4 stars; one submission).

gnomAD v4.1: 9 of 1,613,644 alleles (0.00056%); highest among the groups gnomAD compares: Non-Finnish European, 0.00068%; no homozygotes.

Submission:

Labcorp Genetics (formerly Invitae), Labcorp
Classification: Uncertain significance. Last evaluated: 2025-11-12. Review status: criteria provided, single submitter. Criteria: Invitae Variant Classification Sherloc (09022015). Collection method: clinical testing. Allele origin: germline.
Comment: This sequence change replaces arginine, which is basic and polar, with glycine, which is neutral and non-polar, at codon 1376 of the C3 protein (p.Arg1376Gly). This variant is present in population databases (rs772738604, gnomAD 0.0009%). This variant has not been reported in the literature in individuals affected with C3-related conditions. An algorithm developed to predict the effect of missense changes on protein structure and function (PolyPhen-2) suggests that this variant is likely to be tolerated. In summary, the available evidence is currently insufficient to determine the role of this variant in disease. Therefore, it has been classified as a Variant of Uncertain Significance.

NM_000064.4(C3):c.4126A>G (p.Arg1376Gly)

Gene: C3 (complement C3; minus strand). Cytogenetic location: 19p13.3.
Variant type: single nucleotide variant.
Coding change: c.4126A>G on transcript NM_000064.4 (MANE Select); coding-DNA position 4126, A replaced by G.
Protein change: p.Arg1376Gly; replaces arginine 1376 with glycine.
Molecular consequence: missense variant.
Genome position (GRCh38, 1-based): chr19:6,684,434, T>C on the plus strand (A>G on the coding strand, the complement: C3 is on the minus strand). VCF-style: chr19-6684434-T-C. GRCh37 (hg19) VCF-style: chr19-6684445-T-C.
Other names: short protein forms R1376G.
Identifiers: ClinVar variation 4804779 (VCV004804779.1).